The following is an entry in ClinVar:

ClinVar aggregate classification (germline): Conflicting classifications of pathogenicity. Review status: criteria provided, conflicting classifications (1 of 4 stars). 10 submissions from 10 submitters: Uncertain significance (8); Likely benign (2). Last evaluated 2025-10-17.

Conditions:
Cardiovascular phenotype. Identifiers: MedGen CN230736.
Cardiomyopathy (CMYO). Also called: Cardiomyopathies. Identifiers: Orphanet 167848, MedGen C0878544, MONDO:0004994, HP:0001638. Inheritance: Various modes of inheritance.
Autosomal recessive limb-girdle muscular dystrophy type 2J (LGMDR10). Also called: Limb-girdle muscular dystrophy, type 2J; MUSCULAR DYSTROPHY, LIMB-GIRDLE, AUTOSOMAL RECESSIVE 10. Identifiers: Orphanet 140922, MedGen C1837342, MONDO:0012127, OMIM 608807.
Dilated cardiomyopathy 1G (CMD1G). Identifiers: Orphanet 154, MedGen C1858763, MONDO:0011400, OMIM 604145.

Allele frequency attached by ClinVar (database versions not stated): TOPMed 0.00002; gnomAD exomes 0.00003 and 0.00001; ExAC 0.00004; ESP Exome Variant Server 0.00008; gnomAD 0.00001.
gnomAD v4.1: 13 of 1,612,986 alleles (0.00081%); highest among the groups gnomAD compares: Admixed American, 0.012%; no homozygotes.

Submissions (10):

Mayo Clinic Laboratories, Mayo Clinic
Classification: Uncertain significance. Last evaluated: 2025-10-17. Review status: criteria provided, single submitter. Criteria: ACMG Guidelines, 2015. Collection method: clinical testing. Allele origin: germline. Observed: 1 variant allele.
Comment: BP5_strong, PP3_moderate, PM2_supporting

Blueprint Genetics
Classification: Likely benign. Last evaluated: 2024-11-06. Review status: criteria provided, single submitter. Criteria: ACMG Guidelines, 2015. Collection method: clinical testing. Allele origin: germline.

Revvity Omics, Revvity
Classification: Uncertain significance. Last evaluated: 2024-09-19. Review status: criteria provided, single submitter. Criteria: ACMG Guidelines, 2015. Collection method: clinical testing. Allele origin: germline.

GeneDx
Classification: Likely benign. Last evaluated: 2020-10-09. Review status: criteria provided, single submitter. Criteria: GeneDx Variant Classification Process June 2021. Collection method: clinical testing. Allele origin: germline. Affected: yes.

Ambry Genetics
Classification: Uncertain significance for Cardiovascular phenotype. Last evaluated: 2020-03-06. Review status: criteria provided, single submitter. Criteria: Ambry Variant Classification Scheme 2023. Collection method: clinical testing. Allele origin: germline.
Comment: The p.Y16310F variant (also known as c.48929A>T), located in coding exon 153 of the TTN gene, results from an A to T substitution at nucleotide position 48929. The tyrosine at codon 16310 is replaced by phenylalanine, an amino acid with highly similar properties. This amino acid position is highly conserved in available vertebrate species. In addition, the in silico prediction for this alteration is inconclusive. Since supporting evidence is limited at this time, the clinical significance of this alteration remains unclear.

CHEO Genetics Diagnostic Laboratory, Children's Hospital of Eastern Ontario
Classification: Uncertain significance for Cardiomyopathy. Last evaluated: 2018-06-01. Review status: criteria provided, single submitter. Criteria: ACMG Guidelines, 2015. Collection method: clinical testing. Allele origin: germline.

Labcorp Genetics (formerly Invitae), Labcorp
Classification: Uncertain significance for Dilated cardiomyopathy 1G; Autosomal recessive limb-girdle muscular dystrophy type 2J. Last evaluated: 2017-11-10. Review status: criteria provided, single submitter. Criteria: Invitae Variant Classification Sherloc (09022015). Collection method: clinical testing. Allele origin: germline.

Genetic Services Laboratory, University of Chicago
Classification: Uncertain significance. Last evaluated: 2017-04-03. Review status: criteria provided, single submitter. Criteria: ACMG Guidelines, 2015. Collection method: clinical testing. Allele origin: germline. Affected: no.

Eurofins Ntd Llc (ga)
Classification: Uncertain significance. Last evaluated: 2017-03-03. Review status: criteria provided, single submitter. Criteria: EGL Classification Definitions 2015. Collection method: clinical testing. Allele origin: germline. Observed: 1 variant allele, 1 heterozygote.

Laboratory for Molecular Medicine, Mass General Brigham Personalized Medicine
Classification: Uncertain significance. Last evaluated: 2014-04-15. Review status: criteria provided, single submitter. Criteria: LMM Criteria. Collection method: clinical testing. Allele origin: germline. Observed: 1 variant allele.
Comment: The Tyr22807Phe variant in TTN has not been previously reported in individuals w ith cardiomyopathy, but has been identified in 1/8264 European American chromoso mes by the NHLBI Exome Sequencing Project. C omputational prediction tools and conservation analysis suggest that this varian t may impact the protein, though this information is not predictive enough to de termine pathogenicity. Additional information is needed to fully assess the clin ical significance of the Tyr22807Phe variant.

NM_001267550.2(TTN):c.76124A>T (p.Tyr25375Phe)

Genes: TTN (titin; minus strand), TTN-AS1 (TTN antisense RNA 1; plus strand). Cytogenetic location: 2q31.2.
Variant type: single nucleotide variant.
Coding change: c.76124A>T on transcript NM_001267550.2 (MANE Select); coding-DNA position 76124, A replaced by T.
Protein change: p.Tyr25375Phe; replaces tyrosine 25375 with phenylalanine.
Molecular consequence: missense variant.
Genome position (GRCh38, 1-based): chr2:178,570,008, T>A on the plus strand (A>T on the coding strand, the complement: TTN is on the minus strand). VCF-style: chr2-178570008-T-A. GRCh37 (hg19) VCF-style: chr2-179434735-T-A.
Other names: p.Tyr23734Phe; c.71201A>T, p.Tyr23734Phe (NM_001256850.1); c.48929A>T, p.Tyr16310Phe (NM_003319.4); c.49304A>T, p.Tyr16435Phe (NM_133432.3); c.49505A>T, p.Tyr16502Phe (NM_133437.4); c.68420A>T, p.Tyr22807Phe (NM_133378.4); short protein forms Y22807F, Y25375F, Y16435F, Y16502F, Y23734F, Y16310F.
Identifiers: ClinVar variation 165833 (VCV000165833.25), dbSNP rs374494927, ClinGen allele CA178498.
Genomic context (GRCh38, chr2:178,570,008, plus strand): 5'-GCAGAAGGAGGGCTTGGTTCACTAAGTCCAGCAGCATTCTCAGCAGAAACTCTGAACTCA[T>A]AATCGTGATTTTCTATGAGTCCAGTTACTCTCAGGCGCAACTCTCCAATCAGACGCTTAT-3'
Protein context (NP_001254479.2, residues 25365-25385): RVTGLIENHD[Tyr25375Phe]EFRVSAENAA